The following is an entry in ClinVar:

ClinVar aggregate classification (germline): Likely benign (1 of 4 stars; one submission).

Conditions:
Methylmalonate semialdehyde dehydrogenase deficiency (MMSDHD). Also called: MMSDH DEFICIENCY. Identifiers: Orphanet 289307, MedGen C3279840, MONDO:0013579, OMIM 614105.

Allele frequency attached by ClinVar (database versions not stated): TOPMed 0.00080; 1000 Genomes Project 30x 0.00219; 1000 Genomes Project 0.00240.
gnomAD v4.1: 199 of 337,034 alleles (0.059%); highest among the groups gnomAD compares: East Asian, 1%; 3 homozygotes.

Submission:

Illumina Laboratory Services, Illumina
Classification: Likely benign for Methylmalonate semialdehyde dehydrogenase deficiency. Last evaluated: 2018-01-12. Review status: criteria provided, single submitter. Criteria: ICSL Variant Classification Criteria 13 December 2019. Collection method: clinical testing. Allele origin: germline.
Comment: This variant was observed in the ICSL laboratory as part of a predisposition screen in an ostensibly healthy population. It had not been previously curated by ICSL or reported in the Human Gene Mutation Database (HGMD: prior to June 1st, 2018), and was therefore a candidate for classification through an automated scoring system. Utilizing variant allele frequency, disease prevalence and penetrance estimates, and inheritance mode, an automated score was calculated to assess if this variant is too frequent to cause the disease. Based on the score and internal cut-off values, a variant classified as likely benign is not then subjected to further curation. The score for this variant resulted in a classification of likely benign for this disease.

NM_005589.4(ALDH6A1):c.*309G>A

Genes: BBOF1 (basal body orientation factor 1; plus strand), ALDH6A1 (aldehyde dehydrogenase 6 family member A1; minus strand). Cytogenetic location: 14q24.3.
Variant type: single nucleotide variant.
Coding change: c.*309G>A on transcript NM_005589.4 (MANE Select); 309 bases downstream of the stop codon, G replaced by A.
Molecular consequence: 3 prime UTR variant. On other transcripts: intron variant (1).
Genome position (GRCh38, 1-based): chr14:74,060,333, C>T on the plus strand (G>A on the coding strand, the complement: ALDH6A1 is on the minus strand). VCF-style: chr14-74060333-C-T. GRCh37 (hg19) VCF-style: chr14-74527036-C-T.
Other names: c.*309G>A (NM_001278593.2, NM_001278594.2); c.1578+3075C>T (NM_025057.3).
Identifiers: ClinVar variation 314163 (VCV000314163.5), dbSNP rs150950908, ClinGen allele CA10644811.
Genomic context (GRCh38, chr14:74,060,333, plus strand): 5'-TACAGGCGTGAGCCACCGCGCCTGGCTGGAACATTTTCTTTACATACACTGGCTTTTCTC[C>T]CCTTCAAATCATCAGAAAATGGGATAATTTTTAGAAATCAGGTTTAAGCACTACTTTCAG-3'